The following is an entry in ClinVar:

NM_006440.5(TXNRD2):c.697T>A (p.Cys233Ser)

Gene: TXNRD2 (thioredoxin reductase 2; minus strand). Cytogenetic location: 22q11.21.
Variant type: single nucleotide variant.
Coding change: c.697T>A on transcript NM_006440.5 (MANE Select); coding-DNA position 697, T replaced by A.
Protein change: p.Cys233Ser; replaces cysteine 233 with serine.
Molecular consequence: missense variant. On other transcripts: non-coding transcript variant (1).
Genome position (GRCh38, 1-based): chr22:19,898,116, A>T on the plus strand (T>A on the coding strand, the complement: TXNRD2 is on the minus strand). VCF-style: chr22-19898116-A-T. GRCh37 (hg19) VCF-style: chr22-19885639-A-T.
Other names: c.697T>A, p.Cys233Ser (NM_001282512.3); c.694T>A, p.Cys232Ser (NM_001352300.2); c.607T>A, p.Cys203Ser (NM_001352301.2); c.409T>A, p.Cys137Ser (NM_001352302.2); c.601T>A, p.Cys201Ser (NM_001352303.2); short protein forms C137S, C232S, C233S, C201S, C203S.
Identifiers: ClinVar variation 1756425 (VCV001756425.2), dbSNP rs2517323032, ClinGen allele CA410687645.

ClinVar aggregate classification (germline): Uncertain significance (1 of 4 stars; one submission).

Conditions:
Cardiovascular phenotype. Identifiers: MedGen CN230736.

Submission:

Ambry Genetics
Classification: Uncertain significance for Cardiovascular phenotype. Last evaluated: 2022-06-12. Review status: criteria provided, single submitter. Criteria: Ambry Variant Classification Scheme 2023. Collection method: clinical testing. Allele origin: germline.
Comment: The p.C233S variant (also known as c.697T>A), located in coding exon 10 of the TXNRD2 gene, results from a T to A substitution at nucleotide position 697. The cysteine at codon 233 is replaced by serine, an amino acid with dissimilar properties. This amino acid position is conserved. In addition, this alteration is predicted to be deleterious by in silico analysis. Since supporting evidence is limited at this time, the clinical significance of this alteration remains unclear.